The following is an entry in ClinVar:

NM_001351132.2(PEX5):c.478del (p.Ala160fs)

Gene: PEX5 (peroxisomal biogenesis factor 5; plus strand). Cytogenetic location: 12p13.31.
Variant type: Deletion.
Coding change: c.478del on transcript NM_001351132.2 (MANE Select); coding-DNA position 478, one base deleted (G; older notation c.478delG).
Protein change: p.Ala160fs; shifts the reading frame from alanine 160.
Molecular consequence: frameshift variant.
Genome position (GRCh38, 1-based): chr12:7,199,040, G deleted; the last of 3 consecutive G bases (chr12:7,199,038-7,199,040); deleting any one gives the same sequence. VCF-style (leftmost placement, unchanged base first): chr12-7199037-TG-T. GRCh37 (hg19) VCF-style: chr12-7351633-TG-T.
Other names: c.478del, p.Ala160fs (NM_000319.5, NM_001131024.2, NM_001131025.2 and 19 more transcripts); c.523del, p.Ala175fs (NM_001131023.2, NM_001351135.3, NM_001351138.2); short protein forms A175fs, A160fs.
Identifiers: ClinVar variation 2803396 (VCV002803396.3), dbSNP rs2540040198, ClinGen allele CA2739271853.

ClinVar aggregate classification (germline): Pathogenic (1 of 4 stars; one submission).

Conditions:
Peroxisome biogenesis disorder 2B (PBD2B). Identifiers: Orphanet 44, MedGen C3550234, MONDO:0008736, OMIM 202370.

Submission:

Labcorp Genetics (formerly Invitae), Labcorp
Classification: Pathogenic for Peroxisome biogenesis disorder 2B. Last evaluated: 2023-12-25. Review status: criteria provided, single submitter. Criteria: Invitae Variant Classification Sherloc (09022015). Collection method: clinical testing. Allele origin: germline.
Comment: This sequence change creates a premature translational stop signal (p.Ala160Leufs*57) in the PEX5 gene. It is expected to result in an absent or disrupted protein product. Loss-of-function variants in PEX5 are known to be pathogenic (PMID: 18712838, 21031596). This variant is not present in population databases (gnomAD no frequency). This variant has not been reported in the literature in individuals affected with PEX5-related conditions. For these reasons, this variant has been classified as Pathogenic.

Literature cited by the submitters: PubMed 18712838; PubMed 21031596.